The following is an entry in ClinVar:

ClinVar aggregate classification (germline): Uncertain significance (1 of 4 stars; one submission).

Submission:

Dasa
Classification: Uncertain significance. Last evaluated: 2025-07-01. Review status: criteria provided, single submitter. Criteria: DASA Assertion Criteria. Collection method: clinical testing. Allele origin: germline.
Comment: NM_024120.5(NDUFAF5):c.545G>T (p.Gly182Val) is a missense variant that results in the substitution of glycine with valine. This variant is absent from population databases. Computational prediction algorithms are consistent with a deleterious effect. The currently available literature and clinical evidence are not sufficient to establish a definitive association between this variant and the reported condition. Therefore, this variant is classified as a variant of uncertain significance.

NM_024120.5(NDUFAF5):c.545G>T (p.Gly182Val)

Gene: NDUFAF5 (NADH:ubiquinone oxidoreductase complex assembly factor 5; plus strand). Cytogenetic location: 20p12.1.
Variant type: single nucleotide variant.
Coding change: c.545G>T on transcript NM_024120.5 (MANE Select); coding-DNA position 545, G replaced by T.
Protein change: p.Gly182Val; replaces glycine 182 with valine.
Molecular consequence: missense variant. On other transcripts: 5 prime UTR variant (2), non-coding transcript variant (7).
Genome position (GRCh38, 1-based): chr20:13,801,511, G>T. VCF-style: chr20-13801511-G-T. GRCh37 (hg19) VCF-style: chr20-13782157-G-T.
Other names: c.461G>T, p.Gly154Val (NM_001039375.3); c.74G>T, p.Gly25Val (NM_001352403.2); c.-17G>T (NM_001352406.2, NM_001352407.2); c.545G>T, p.Gly182Val (NM_001352408.2); short protein forms G154V, G182V, G25V.
Identifiers: ClinVar variation 4883704 (VCV004883704.2).